The following is an entry in ClinVar:

NM_000393.5(COL5A2):c.2075C>G (p.Pro692Arg)

Gene: COL5A2 (collagen type V alpha 2 chain; minus strand). Cytogenetic location: 2q32.2.
Variant type: single nucleotide variant.
Coding change: c.2075C>G on transcript NM_000393.5 (MANE Select); coding-DNA position 2075, C replaced by G.
Protein change: p.Pro692Arg; replaces proline 692 with arginine.
Molecular consequence: missense variant.
Genome position (GRCh38, 1-based): chr2:189,060,740, G>C on the plus strand (C>G on the coding strand, the complement: COL5A2 is on the minus strand). VCF-style: chr2-189060740-G-C. GRCh37 (hg19) VCF-style: chr2-189925466-G-C.
Other names: p.P692R:CCA>CGA; short protein forms P692R.
Identifiers: ClinVar variation 213102 (VCV000213102.6), dbSNP rs863223492, ClinGen allele CA321296.
Genomic context (GRCh38, chr2:189,060,740, plus strand): 5'-ATTGAGCCAGCAATGTATAGTGTTGCCATTATTATTATTTAAACACTTACTTGATCACCT[G>C]GTTTTCCACCTTCTCCAGGAGGCCCTGGAGGACCAGGAAGCCCCTAAAACAAAAGTAAGA-3'
Protein context (NP_000384.2, residues 682-702): PPGPPGEGGK[Pro692Arg]GDQGVPGDPG

ClinVar aggregate classification (germline): Uncertain significance. Review status: criteria provided, multiple submitters, no conflicts (2 of 4 stars). 2 submissions from 2 submitters: Uncertain significance (2). Last evaluated 2024-08-15.

Conditions:
Ehlers-Danlos syndrome, classic type, 1 (EDSCL1). Also called: Ehlers-Danlos Syndrome, Classic Type, COL5A1-Related; EHLERS-DANLOS SYNDROME, GRAVIS TYPE; EHLERS-DANLOS SYNDROME, SEVERE CLASSIC TYPE; Ehlers-Danlos syndrome, type 1; EDS I. Identifiers: MedGen C0268335, MONDO:0019567, OMIM 130000.

Allele frequency attached by ClinVar (database versions not stated): gnomAD exomes below 0.00001.
gnomAD v4.1: 5 of 1,613,154 alleles (0.00031%); highest among the groups gnomAD compares: Non-Finnish European, 0.00042%; no homozygotes.

Submissions (2):

Labcorp Genetics (formerly Invitae), Labcorp
Classification: Uncertain significance for Ehlers-Danlos syndrome, classic type, 1. Last evaluated: 2024-08-15. Review status: criteria provided, single submitter. Criteria: Invitae Variant Classification Sherloc (09022015). Collection method: clinical testing. Allele origin: germline.
Comment: This sequence change replaces proline, which is neutral and non-polar, with arginine, which is basic and polar, at codon 692 of the COL5A2 protein (p.Pro692Arg). This variant is present in population databases (no rsID available, gnomAD 0.0009%). This variant has not been reported in the literature in individuals affected with COL5A2-related conditions. ClinVar contains an entry for this variant (Variation ID: 213102). Invitae Evidence Modeling of protein sequence and biophysical properties (such as structural, functional, and spatial information, amino acid conservation, physicochemical variation, residue mobility, and thermodynamic stability) indicates that this missense variant is not expected to disrupt COL5A2 protein function with a negative predictive value of 80%. In summary, the available evidence is currently insufficient to determine the role of this variant in disease. Therefore, it has been classified as a Variant of Uncertain Significance.

GeneDx
Classification: Uncertain significance. Last evaluated: 2021-12-16. Review status: criteria provided, single submitter. Criteria: GeneDx Variant Classification Process June 2021. Collection method: clinical testing. Allele origin: germline. Affected: yes.
Comment: Has not been previously published as pathogenic or benign to our knowledge; Not observed at a significant frequency in large population cohorts (Lek et al., 2016); In silico analysis supports that this missense variant has a deleterious effect on protein structure/function